The following is an entry in ClinVar:

ClinVar aggregate classification (germline): Uncertain significance (1 of 4 stars; one submission).

Allele frequency attached by ClinVar (database versions not stated): gnomAD 0.00001; TOPMed 0.00002; 1000 Genomes Project 0.00020; 1000 Genomes Project 30x 0.00031.
gnomAD v4.1: 6 of 700,432 alleles (0.00086%); highest among the groups gnomAD compares: Non-Finnish European, 0.0013%; no homozygotes.

Submission:

Labcorp Genetics (formerly Invitae), Labcorp
Classification: Uncertain significance. Last evaluated: 2022-06-19. Review status: criteria provided, single submitter. Criteria: Invitae Variant Classification Sherloc (09022015). Collection method: clinical testing. Allele origin: germline.
Comment: In summary, the available evidence is currently insufficient to determine the role of this variant in disease. Therefore, it has been classified as a Variant of Uncertain Significance. Experimental studies and prediction algorithms are not available or were not evaluated, and the functional significance of this variant is currently unknown. This variant has not been reported in the literature in individuals affected with RNU4ATAC-related conditions. This variant is not present in population databases (gnomAD no frequency). This variant occurs in the RNU4ATAC gene, which encodes an RNA molecule that does not result in a protein product.

NC_000002.12:g.121530948T>C

Genes: CLASP1 (cytoplasmic linker associated protein 1; minus strand), CLASP1-AS1 (CLASP1 antisense RNA 1; plus strand), RNU4ATAC (RNA, U4atac small nuclear; plus strand). Cytogenetic location: 2q14.2.
Variant type: single nucleotide variant.
Molecular consequence: intron variant (on NM_001395891.1).
Genome position: GRCh38 VCF-style: chr2-121530948-T-C. GRCh37 (hg19) VCF-style: chr2-122288524-T-C.
Other names: c.196-623A>G (NM_001142274.2, NM_015282.3, NM_001378003.1 and 5 more transcripts).
Identifiers: ClinVar variation 2008408 (VCV002008408.2), dbSNP rs545636183, ClinGen allele CA54810901.